The following is an entry in ClinVar:

NM_002738.7(PRKCB):c.962C>T (p.Thr321Met)

Gene: PRKCB (protein kinase C beta; plus strand). Cytogenetic location: 16p12.2.
Variant type: single nucleotide variant.
Coding change: c.962C>T on transcript NM_002738.7 (MANE Select); coding-DNA position 962, C replaced by T.
Protein change: p.Thr321Met; replaces threonine 321 with methionine.
Molecular consequence: missense variant.
Genome position (GRCh38, 1-based): chr16:24,123,878, C>T. VCF-style: chr16-24123878-C-T. GRCh37 (hg19) VCF-style: chr16-24135199-C-T.
Other names: c.962C>T, p.Thr321Met (NM_212535.3); short protein forms T321M.
Identifiers: ClinVar variation 4979179 (VCV004979179.1).
Genomic context (GRCh38, chr16:24,123,878, plus strand): 5'-GTGCTTCCTTTTTGCAGAGGGCCAAGATCAGTCAGGGAACCAAGGTCCCGGAAGAAAAGA[C>T]GACCAACACTGTCTCCAAATTTGACAACAATGGCAACAGAGACCGGATGAAACTGACCGA-3'
Protein context (NP_002729.2, residues 311-331): SQGTKVPEEK[Thr321Met]TNTVSKFDNN

ClinVar aggregate classification (germline): Likely benign (1 of 4 stars; one submission).

Conditions:
PRKCB-related disorder. Also called: PRKCB-related condition.

gnomAD v4.1: 150 of 1,614,130 alleles (0.0093%); highest among the groups gnomAD compares: African/African-American, 0.15%; no homozygotes.

Submission:

PreventionGenetics, part of Exact Sciences
Classification: Likely benign for PRKCB-related condition. Last evaluated: 2025-04-09. Review status: criteria provided, single submitter. Criteria: ACMG Guidelines, 2015. Collection method: clinical testing. Allele origin: germline.
Comment: This variant is classified as likely benign based on ACMG/AMP sequence variant interpretation guidelines (Richards et al. 2015 PMID: 25741868, with internal and published modifications).